The following is an entry in ClinVar:

ClinVar aggregate classification (germline): Conflicting classifications of pathogenicity. Review status: criteria provided, conflicting classifications (1 of 4 stars). 10 submissions from 10 submitters: Uncertain significance (1); Benign (1); Likely benign (8). Last evaluated 2026-01-28.

Conditions:
Hereditary nonpolyposis colorectal neoplasms. Identifiers: MedGen C0009405, MeSH D003123.
MSH6-related disorder. Also called: MSH6-related condition; MSH6-Related disorders.
Endometrial carcinoma. Also called: Endometrial carcinoma, somatic. Identifiers: MedGen C0476089, MONDO:0002447, OMIM 608089, HP:0012114.
Mismatch repair cancer syndrome 3. Identifiers: MedGen C5436807, MONDO:0030841, OMIM 619097.
Lynch syndrome 5 (LYNCH5). Also called: Colorectal cancer, hereditary nonpolyposis, type 5; Hereditary non-polyposis colorectal cancer, type 5. Identifiers: Orphanet 144, MedGen C1833477, MONDO:0013710, OMIM 614350. Disease mechanism: loss of function.
Hereditary cancer-predisposing syndrome. Also called: Neoplastic Syndromes, Hereditary; Tumor predisposition; Hereditary Cancer Syndrome; Hereditary neoplastic syndrome. Identifiers: Orphanet 140162, MedGen C0027672, MeSH D009386, MONDO:0015356.
Lynch syndrome. Identifiers: Orphanet 144, MedGen C4552100, MONDO:0005835. Disease mechanism: loss of function.

Allele frequency attached by ClinVar (database versions not stated): gnomAD below 0.00001 and 0.00001; gnomAD exomes 0.00001 and 0.00004; TOPMed 0.00002; ExAC 0.00004; 1000 Genomes Project 30x 0.00016; 1000 Genomes Project 0.00020.
gnomAD v4.1: 19 of 1,614,160 alleles (0.0012%); highest among the groups gnomAD compares: East Asian, 0.013%; no homozygotes.

Submissions (12):

Labcorp Genetics (formerly Invitae), Labcorp
Classification: Likely benign for Hereditary nonpolyposis colorectal neoplasms. Last evaluated: 2026-01-28. Review status: criteria provided, single submitter. Criteria: Invitae Variant Classification Sherloc (09022015). Collection method: clinical testing. Allele origin: germline.

PreventionGenetics, part of Exact Sciences
Classification: Likely benign for MSH6-related condition. Last evaluated: 2025-06-28. Review status: criteria provided, single submitter. Criteria: ACMG Guidelines, 2015. Collection method: clinical testing. Allele origin: germline.
Comment: This variant is classified as likely benign based on ACMG/AMP sequence variant interpretation guidelines (Richards et al. 2015 PMID: 25741868, with internal and published modifications).

Myriad Genetics, Inc.
Classification: Benign for Lynch syndrome 5. Last evaluated: 2024-12-23. Review status: criteria provided, single submitter. Criteria: Myriad Autosomal Dominant, Autosomal Recessive and X-Linked Classification Criteria (2023). Collection method: clinical testing. Allele origin: unknown.
Comment: This variant is considered benign. This variant is a silent/synonymous amino acid change and it is not expected to impact splicing.

Blueprint Genetics
Classification: Likely benign. Last evaluated: 2024-09-17. Review status: criteria provided, single submitter. Criteria: ACMG Guidelines, 2015. Collection method: clinical testing. Allele origin: germline.

All of Us Research Program, National Institutes of Health
Classification: Likely benign for Lynch syndrome. Last evaluated: 2023-11-20. Review status: criteria provided, single submitter. Criteria: ACMG Guidelines, 2015. Collection method: clinical testing. Allele origin: germline. Inheritance: Autosomal dominant inheritance. Observed: 2 variant alleles, 2 heterozygotes.
Comment: This study involves interpretation of variants in research participants for the purpose of population health screening. Participant phenotype was not available at the time of variant classification. Additional details can be found in publication PMID: 35346344, PMCID: PMC8962531

Department of Pathology and Laboratory Medicine, Sinai Health System
Classification: Uncertain significance for Endometrial carcinoma; Lynch syndrome 5; Mismatch repair cancer syndrome 3. Last evaluated: 2023-11-08. Review status: criteria provided, single submitter. Criteria: ACMG Guidelines, 2015. Collection method: clinical testing. Allele origin: germline. Affected: yes.

Sema4
Classification: Likely benign for Hereditary cancer-predisposing syndrome. Last evaluated: 2021-10-15. Review status: criteria provided, single submitter. Criteria: Sema4 Curation Guidelines. Collection method: curation. Allele origin: germline.

GeneDx
Classification: Likely benign. Last evaluated: 2019-06-03. Review status: criteria provided, single submitter. Criteria: GeneDx Variant Classification Process June 2021. Collection method: clinical testing. Allele origin: germline. Affected: yes.

Color Diagnostics, LLC DBA Color Health
Classification: Likely benign for Hereditary cancer-predisposing syndrome. Last evaluated: 2017-01-19. Review status: criteria provided, single submitter. Criteria: ACMG Guidelines, 2015. Collection method: clinical testing. Allele origin: germline.

Ambry Genetics
Classification: Likely benign for Hereditary cancer-predisposing syndrome. Last evaluated: 2016-05-16. Review status: criteria provided, single submitter. Criteria: Ambry Variant Classification Scheme 2023. Collection method: clinical testing. Allele origin: germline.

Dr. Peter K. Rogan Lab, Western University
No classification provided (evidence only). Condition: Gastric cancer. Review status: no classification provided. Collection method: in vitro. Allele origin: not applicable. Functional consequence: retained intron. Not counted in ClinVar's aggregate classification.

Dr. Peter K. Rogan Lab, Western University
No classification provided (evidence only). Condition: Malignant tumor of esophagus. Review status: no classification provided. Collection method: in vitro. Allele origin: not applicable. Functional consequence: retained intron. Not counted in ClinVar's aggregate classification.

NM_000179.3(MSH6):c.1200G>A (p.Glu400=)

Gene: MSH6 (mutS homolog 6; plus strand). Cytogenetic location: 2p16.3.
Variant type: single nucleotide variant.
Coding change: c.1200G>A on transcript NM_000179.3 (MANE Select); coding-DNA position 1200, G replaced by A.
Protein change: p.Glu400=; no amino-acid change (glutamic acid 400 retained).
Molecular consequence: synonymous variant.
Genome position (GRCh38, 1-based): chr2:47,799,183, G>A. VCF-style: chr2-47799183-G-A. GRCh37 (hg19) VCF-style: chr2-48026322-G-A.
Other names: c.810G>A, p.Glu270= (NM_001281492.2); c.294G>A, p.Glu98= (NM_001281493.2, NM_001281494.2).
Identifiers: ClinVar variation 386790 (VCV000386790.25), dbSNP rs536884553, ClinGen allele CA067322.